The following is an entry in ClinVar:

NM_014314.4(RIGI):c.558G>T (p.Trp186Cys)

Gene: RIGI (RNA sensor RIG-I; minus strand). Cytogenetic location: 9p21.1.
Variant type: single nucleotide variant.
Coding change: c.558G>T on transcript NM_014314.4 (MANE Select); coding-DNA position 558, G replaced by T.
Protein change: p.Trp186Cys; replaces tryptophan 186 with cysteine.
Molecular consequence: missense variant. On other transcripts: intron variant (1).
Genome position (GRCh38, 1-based): chr9:32,492,404, C>A on the plus strand (G>T on the coding strand, the complement: RIGI is on the minus strand). VCF-style: chr9-32492404-C-A. GRCh37 (hg19) VCF-style: chr9-32492402-C-A.
Other names: c.558G>T, p.Trp186Cys (NM_001385907.1, NM_001385909.1); c.117G>T, p.Trp39Cys (NM_001385910.1, NM_001385914.1); c.543G>T, p.Trp181Cys (NM_001385913.1); c.-38-984G>T (NM_001385912.1); c.558G>T (NM_014314.3); short protein forms W181C, W186C, W39C.
Identifiers: ClinVar variation 1506930 (VCV001506930.9), dbSNP rs765471170, ClinGen allele CA5020055.

ClinVar aggregate classification (germline): Uncertain significance. Review status: criteria provided, multiple submitters, no conflicts (2 of 4 stars). 2 submissions from 2 submitters: Uncertain significance (2). Last evaluated 2025-03-06.

Conditions:
Inborn genetic diseases. Identifiers: MedGen C0950123, MeSH D030342.

Allele frequency attached by ClinVar (database versions not stated): TOPMed below 0.00001; gnomAD 0.00001; gnomAD exomes 0.00001; ExAC 0.00002.
gnomAD v4.1: 12 of 1,614,018 alleles (0.00074%); highest among the groups gnomAD compares: African/African-American, 0.0013%; no homozygotes.

Submissions (2):

Ambry Genetics
Classification: Uncertain significance for Inborn genetic diseases. Last evaluated: 2025-03-06. Review status: criteria provided, single submitter. Criteria: Ambry Variant Classification Scheme 2023. Collection method: clinical testing. Allele origin: germline.

Labcorp Genetics (formerly Invitae), Labcorp
Classification: Uncertain significance. Last evaluated: 2021-03-28. Review status: criteria provided, single submitter. Criteria: Invitae Variant Classification Sherloc (09022015). Collection method: clinical testing. Allele origin: germline.
Comment: In summary, the available evidence is currently insufficient to determine the role of this variant in disease. Therefore, it has been classified as a Variant of Uncertain Significance. Algorithms developed to predict the effect of missense changes on protein structure and function are either unavailable or do not agree on the potential impact of this missense change (SIFT: "Deleterious"; PolyPhen-2: "Probably Damaging"; Align-GVGD: "Class C0"). This variant has not been reported in the literature in individuals with DDX58-related conditions. This variant is present in population databases (rs765471170, ExAC 0.003%). This sequence change replaces tryptophan with cysteine at codon 186 of the DDX58 protein (p.Trp186Cys). The tryptophan residue is moderately conserved and there is a large physicochemical difference between tryptophan and cysteine.